The following is an entry in ClinVar:

NM_020975.6(RET):c.*95C>T

Gene: RET (ret proto-oncogene; plus strand). Cytogenetic location: 10q11.21.
Variant type: single nucleotide variant.
Coding change: c.*95C>T on transcript NM_020975.6 (MANE Select); 95 bases downstream of the stop codon, C replaced by T.
Molecular consequence: 3 prime UTR variant.
Genome position (GRCh38, 1-based): chr10:43,128,364, C>T. VCF-style: chr10-43128364-C-T. GRCh37 (hg19) VCF-style: chr10-43623812-C-T.
Other names: c.*95C>T (LRG_518t1).
Identifiers: ClinVar variation 299903 (VCV000299903.8), dbSNP rs17028, ClinGen allele CA10635733.

ClinVar aggregate classification (germline): Benign. Review status: criteria provided, multiple submitters, no conflicts (2 of 4 stars). 6 submissions from 3 submitters: Benign (6). Last evaluated 2025-07-10.

Conditions:
Pheochromocytoma. Also called: MAX-Related Hereditary Paraganglioma-Pheochromocytoma Syndrome. Identifiers: Orphanet 29072, MedGen C0031511, MONDO:0008233, OMIM 171300, HP:0002666.
Renal hypodysplasia/aplasia 1 (RHDA1). Also called: RENAL APLASIA; HEREDITARY RENAL APLASIA. Identifiers: Orphanet 411709, MedGen C1619700, MONDO:0024519, OMIM 191830.
Multiple endocrine neoplasia. Identifiers: Orphanet 276161, MedGen C0027662, MONDO:0017169.
Hirschsprung disease, susceptibility to, 1 (HSCR1). Also called: RET-Related Hirschsprung Disease. Identifiers: Orphanet 388, MedGen C3888239, MONDO:0007723, OMIM 142623.
Hereditary cancer-predisposing syndrome. Also called: Hereditary neoplastic syndrome; Tumor predisposition; Neoplastic Syndromes, Hereditary; Hereditary Cancer Syndrome. Identifiers: Orphanet 140162, MedGen C0027672, MeSH D009386, MONDO:0015356.

Allele frequency attached by ClinVar (database versions not stated): 1000 Genomes Project 30x 0.13507; 1000 Genomes Project 0.13658; TOPMed 0.15321; gnomAD 0.16697 and 0.16758.
gnomAD v4.1: 297,151 of 1,457,726 alleles (20%); highest among the groups gnomAD compares: Non-Finnish European, 22%; 32,418 homozygotes.

Submissions (6):

GeneKor MSA
Classification: Benign for Hereditary cancer-predisposing syndrome. Last evaluated: 2025-07-10. Review status: criteria provided, single submitter. Criteria: ACMG Guidelines, 2015. Collection method: clinical testing. Allele origin: germline.

Illumina Laboratory Services, Illumina
Classification: Benign for Pheochromocytoma. Last evaluated: 2018-01-13. Review status: criteria provided, single submitter. Criteria: ICSL Variant Classification Criteria 13 December 2019. Collection method: clinical testing. Allele origin: germline.
Comment: This variant was observed in the ICSL laboratory as part of a predisposition screen in an ostensibly healthy population. It had not been previously curated by ICSL or reported in the Human Gene Mutation Database (HGMD: prior to June 1st, 2018), and was therefore a candidate for classification through an automated scoring system. Utilizing variant allele frequency, disease prevalence and penetrance estimates, and inheritance mode, an automated score was calculated to assess if this variant is too frequent to cause the disease. Based on the score and internal cut-off values, a variant classified as benign is not then subjected to further curation. The score for this variant resulted in a classification of benign for this disease.

Illumina Laboratory Services, Illumina
Classification: Benign for Hirschsprung disease, susceptibility to, 1. Last evaluated: 2018-01-13. Review status: criteria provided, single submitter. Criteria: ICSL Variant Classification Criteria 13 December 2019. Collection method: clinical testing. Allele origin: germline.
Comment: the same text as in the submission from Illumina Laboratory Services, Illumina above.

Illumina Laboratory Services, Illumina
Classification: Benign for Multiple endocrine neoplasia. Last evaluated: 2018-01-13. Review status: criteria provided, single submitter. Criteria: ICSL Variant Classification Criteria 13 December 2019. Collection method: clinical testing. Allele origin: germline.
Comment: the same text as in the submission from Illumina Laboratory Services, Illumina above.

Illumina Laboratory Services, Illumina
Classification: Benign for Renal hypodysplasia/aplasia 1. Last evaluated: 2018-01-13. Review status: criteria provided, single submitter. Criteria: ICSL Variant Classification Criteria 13 December 2019. Collection method: clinical testing. Allele origin: germline.
Comment: the same text as in the submission from Illumina Laboratory Services, Illumina above.

Breakthrough Genomics
Classification: Benign. Review status: criteria provided, single submitter. Criteria: ACMG Guidelines, 2015. Collection method: not provided. Allele origin: germline. Inheritance: Autosomal dominant inheritance. Affected: yes.